The following is an entry in ClinVar:

NM_003072.5(SMARCA4):c.1492C>T (p.Gln498Ter)

Gene: SMARCA4 (SWI/SNF related BAF chromatin remodeling complex subunit ATPase 4; plus strand). Cytogenetic location: 19p13.2.
Variant type: single nucleotide variant.
Coding change: c.1492C>T on transcript NM_003072.5 (MANE Select); coding-DNA position 1492, C replaced by T.
Protein change: p.Gln498Ter; replaces glutamine 498 with a stop codon.
Molecular consequence: nonsense. On other transcripts: non-coding transcript variant (1).
Genome position (GRCh38, 1-based): chr19:10,994,900, C>T. VCF-style: chr19-10994900-C-T. GRCh37 (hg19) VCF-style: chr19-11105576-C-T.
Other names: c.1492C>T, p.Gln498Ter (NM_001128844.3, NM_001128845.2, NM_001128846.2 and 6 more transcripts); short protein forms Q498*.
Identifiers: ClinVar variation 5042302 (VCV005042302.1).
Genomic context (GRCh38, chr19:10,994,900, plus strand): 5'-AGCATTCTCCAGCATGCCAAGGATTTCAAGGAATATCACAGATCCGTCACAGGCAAAATC[C>T]AGAAGCTGACCAAGGCAGTGGCCACGTACCATGCCAACACGGAGCGGGAGCAGAAGAAAG-3'

ClinVar aggregate classification (germline): Pathogenic (1 of 4 stars; one submission).

Conditions:
Rhabdoid tumor predisposition syndrome 2 (RTPS2). Identifiers: Orphanet 231108, Orphanet 69077, MedGen C2750074, MONDO:0013224, OMIM 613325.

Submission:

Myriad Genetics, Inc.
Classification: Pathogenic for Rhabdoid tumor predisposition syndrome 2. Last evaluated: 2026-09-28. Review status: criteria provided, single submitter. Criteria: Myriad Autosomal Dominant, Autosomal Recessive and X-Linked Classification Criteria (2023). Collection method: clinical testing. Allele origin: unknown.
Comment: This variant is considered pathogenic. This variant creates a termination codon and is predicted to result in premature protein truncation.